The following is an entry in ClinVar:

NM_001035.3(RYR2):c.6018T>C (p.His2006=)

Gene: RYR2 (ryanodine receptor 2; plus strand). Cytogenetic location: 1q43.
Variant type: single nucleotide variant.
Coding change: c.6018T>C on transcript NM_001035.3 (MANE Select); coding-DNA position 6018, T replaced by C.
Protein change: p.His2006=; no amino-acid change (histidine 2006 retained).
Molecular consequence: synonymous variant.
Genome position (GRCh38, 1-based): chr1:237,623,866, T>C. VCF-style: chr1-237623866-T-C. GRCh37 (hg19) VCF-style: chr1-237787166-T-C.
Identifiers: ClinVar variation 698055 (VCV000698055.16), dbSNP rs757380341, ClinGen allele CA087020.

ClinVar aggregate classification (germline): Likely benign. Review status: criteria provided, multiple submitters, no conflicts (2 of 4 stars). 4 submissions from 4 submitters: Likely benign (4). Last evaluated 2025-10-13.

Conditions:
Cardiomyopathy (CMYO). Also called: Cardiomyopathies. Identifiers: Orphanet 167848, MedGen C0878544, MONDO:0004994, HP:0001638. Inheritance: Various modes of inheritance.
Cardiovascular phenotype. Identifiers: MedGen CN230736.
Catecholaminergic polymorphic ventricular tachycardia (CVPT). Also called: Catecholamine-induced polymorphic ventricular tachycardia. Identifiers: Orphanet 3286, MedGen C5574922, MONDO:0017990.
Catecholaminergic polymorphic ventricular tachycardia 1. Also called: VENTRICULAR TACHYCARDIA, CATECHOLAMINERGIC POLYMORPHIC, 1, WITH OR WITHOUT ATRIAL DYSFUNCTION AND/OR DILATED CARDIOMYOPATHY; VENTRICULAR TACHYCARDIA, STRESS-INDUCED POLYMORPHIC 1; RYR2-Related Catecholaminergic Polymorphic Ventricular Tachycardia. Identifiers: Orphanet 3286, MedGen C1631597, MONDO:0011484, OMIM 604772.

Allele frequency attached by ClinVar (database versions not stated): gnomAD below 0.00001 and 0.00001; TOPMed below 0.00001; gnomAD exomes 0.00002; ExAC 0.00003.
gnomAD v4.1: 26 of 1,595,230 alleles (0.0016%); highest among the groups gnomAD compares: South Asian, 0.025%; no homozygotes.

Submissions (4):

Labcorp Genetics (formerly Invitae), Labcorp
Classification: Likely benign for Catecholaminergic polymorphic ventricular tachycardia 1. Last evaluated: 2025-10-13. Review status: criteria provided, single submitter. Criteria: Invitae Variant Classification Sherloc (09022015). Collection method: clinical testing. Allele origin: germline.

Ambry Genetics
Classification: Likely benign for Cardiovascular phenotype. Last evaluated: 2023-12-10. Review status: criteria provided, single submitter. Criteria: Ambry Variant Classification Scheme 2023. Collection method: clinical testing. Allele origin: germline.

All of Us Research Program, National Institutes of Health
Classification: Likely benign for Catecholaminergic polymorphic ventricular tachycardia. Last evaluated: 2023-11-20. Review status: criteria provided, single submitter. Criteria: ACMG Guidelines, 2015. Collection method: clinical testing. Allele origin: germline. Inheritance: Autosomal dominant inheritance. Observed: 2 variant alleles, 2 heterozygotes.
Comment: This study involves interpretation of variants in research participants for the purpose of population health screening. Participant phenotype was not available at the time of variant classification. Additional details can be found in publication PMID: 35346344, PMCID: PMC8962531

Color Diagnostics, LLC DBA Color Health
Classification: Likely benign for Cardiomyopathy. Last evaluated: 2020-10-05. Review status: criteria provided, single submitter. Criteria: ACMG Guidelines, 2015. Collection method: clinical testing. Allele origin: germline.